The following is an entry in ClinVar:

ClinVar aggregate classification (germline): Likely benign (1 of 4 stars; one submission).

Submission:

CeGaT Center for Human Genetics Tuebingen
Classification: Likely benign. Last evaluated: 2022-10-01. Review status: criteria provided, single submitter. Criteria: CeGaT Center For Human Genetics Tuebingen Variant Classification Criteria Version 2. Collection method: clinical testing. Allele origin: germline. Affected: yes. Observed: 1 variant allele.
Comment: USP17L2: BP4, BP7

NM_201402.3(USP17L2):c.18C>G (p.Leu6=)

Genes: FAM66D (family with sequence similarity 66 member D), USP17L2 (ubiquitin specific peptidase 17 like family member 2; minus strand). Cytogenetic location: 8p23.1.
Variant type: single nucleotide variant.
Coding change: c.18C>G on transcript NM_201402.3 (MANE Select); coding-DNA position 18, C replaced by G.
Protein change: p.Leu6=; no amino-acid change (leucine 6 retained).
Molecular consequence: synonymous variant.
Genome position (GRCh38, 1-based): chr8:12,138,743, G>C on the plus strand (C>G on the coding strand, the complement: USP17L2 is on the minus strand). VCF-style: chr8-12138743-G-C. GRCh37 (hg19) VCF-style: chr8-11996252-G-C.
Identifiers: ClinVar variation 2658430 (VCV002658430.24), dbSNP rs71237667, ClinGen allele CA4635345.